The following is an entry in ClinVar:

ClinVar aggregate classification (germline): Benign/Likely benign. Review status: criteria provided, multiple submitters, no conflicts (2 of 4 stars). 5 submissions from 5 submitters: Benign (1); Likely benign (4). Last evaluated 2025-11-23.

Conditions:
Hereditary cancer-predisposing syndrome. Also called: Neoplastic Syndromes, Hereditary; Tumor predisposition; Hereditary neoplastic syndrome; Hereditary Cancer Syndrome. Identifiers: Orphanet 140162, MedGen C0027672, MeSH D009386, MONDO:0015356.
Hereditary diffuse gastric adenocarcinoma (HDGC). Also called: DIFFUSE GASTRIC AND LOBULAR BREAST CANCER SYNDROME. Identifiers: Orphanet 26106, MedGen C1708349, MONDO:0007648, OMIM 137215.

Allele frequency attached by ClinVar (database versions not stated): TOPMed 0.00001; ExAC 0.00002; gnomAD 0.00003; gnomAD exomes 0.00004.
gnomAD v4.1: 65 of 1,613,970 alleles (0.004%); highest among the groups gnomAD compares: Non-Finnish European, 0.0054%; no homozygotes.

Submissions (5):

Labcorp Genetics (formerly Invitae), Labcorp
Classification: Likely benign. Last evaluated: 2025-11-23. Review status: criteria provided, single submitter. Criteria: Invitae Variant Classification Sherloc (09022015). Collection method: clinical testing. Allele origin: germline.

CeGaT Center for Human Genetics Tuebingen
Classification: Likely benign. Last evaluated: 2025-07-01. Review status: criteria provided, single submitter. Criteria: CeGaT Center For Human Genetics Tuebingen Variant Classification Criteria Version 2. Collection method: clinical testing. Allele origin: germline. Affected: yes. Observed: 1 variant allele.
Comment: CTNNA1: BP4, BP7

Myriad Genetics, Inc.
Classification: Benign for Hereditary diffuse gastric adenocarcinoma. Last evaluated: 2024-10-15. Review status: criteria provided, single submitter. Criteria: Myriad Autosomal Dominant, Autosomal Recessive and X-Linked Classification Criteria (2023). Collection method: clinical testing. Allele origin: unknown.
Comment: This variant is considered benign. This variant is a silent/synonymous amino acid change and it is not expected to impact splicing.

Blueprint Genetics
Classification: Likely benign. Last evaluated: 2023-01-18. Review status: criteria provided, single submitter. Criteria: ACMG Guidelines, 2015. Collection method: clinical testing. Allele origin: germline.

Ambry Genetics
Classification: Likely benign for Hereditary cancer-predisposing syndrome. Last evaluated: 2020-06-24. Review status: criteria provided, single submitter. Criteria: Ambry Variant Classification Scheme 2023. Collection method: clinical testing. Allele origin: germline.

NM_001903.5(CTNNA1):c.2508C>A (p.Ser836=)

Gene: CTNNA1 (catenin alpha 1; plus strand). Cytogenetic location: 5q31.2.
Variant type: single nucleotide variant.
Coding change: c.2508C>A on transcript NM_001903.5 (MANE Select); coding-DNA position 2508, C replaced by A.
Protein change: p.Ser836=; no amino-acid change (serine 836 retained).
Molecular consequence: synonymous variant. On other transcripts: 3 prime UTR variant (5).
Genome position (GRCh38, 1-based): chr5:138,933,876, C>A. VCF-style: chr5-138933876-C-A. GRCh37 (hg19) VCF-style: chr5-138269565-C-A.
Other names: c.*53C>A (NM_001290307.3, NM_001324002.1, NM_001324003.1 and 2 more transcripts); c.2199C>A, p.Ser733= (NM_001290309.3); c.2139C>A, p.Ser713= (NM_001290310.3); c.1398C>A, p.Ser466= (NM_001290312.1, NM_001323987.1, NM_001323988.1 and 12 more transcripts); c.2508C>A, p.Ser836= (NM_001323982.2, NM_001323983.1, NM_001323984.2); c.2481C>A, p.Ser827= (NM_001323985.2); c.2415C>A, p.Ser805= (NM_001323986.2); c.1263C>A, p.Ser421= (NM_001324001.1); and 3 more.
Identifiers: ClinVar variation 699214 (VCV000699214.23), dbSNP rs749240690, ClinGen allele CA3432256.